The following is an entry in ClinVar:

ClinVar aggregate classification (germline): Pathogenic. Review status: reviewed by expert panel (3 of 4 stars). 5 submissions from 4 submitters: Pathogenic (1). 4 of the submissions do not count toward it. Last evaluated 2013-09-05.

Conditions:
Lynch syndrome. Identifiers: Orphanet 144, MedGen C4552100, MONDO:0005835. Disease mechanism: loss of function.
Mismatch repair cancer syndrome 3. Identifiers: MedGen C5436807, MONDO:0030841, OMIM 619097.
Hereditary cancer-predisposing syndrome. Also called: Tumor predisposition; Hereditary Cancer Syndrome; Hereditary neoplastic syndrome; Neoplastic Syndromes, Hereditary. Identifiers: Orphanet 140162, MedGen C0027672, MeSH D009386, MONDO:0015356.
Lynch syndrome 5 (LYNCH5). Also called: Colorectal cancer, hereditary nonpolyposis, type 5; Hereditary non-polyposis colorectal cancer, type 5. Identifiers: Orphanet 144, MedGen C1833477, MONDO:0013710, OMIM 614350. Disease mechanism: loss of function.

Allele frequency attached by ClinVar (database versions not stated): gnomAD exomes below 0.00001.
gnomAD v4.1: 1 of 1,568,776 alleles (0.000064%); highest among the groups gnomAD compares: Non-Finnish European, 0.000086%; no homozygotes.

Submissions (5):

International Society for Gastrointestinal Hereditary Tumours (InSiGHT)
Classification: Pathogenic for Lynch Syndrome. Last evaluated: 2013-09-05. Review status: reviewed by expert panel. Criteria: Guidelines v1.9. Collection method: research. Allele origin: germline.
Comment: Coding sequence variation resulting in a stop codon

Classified with v1.9 guidelines

Ambry Genetics
Classification: Pathogenic for Hereditary cancer-predisposing syndrome. Last evaluated: 2024-06-25. Review status: criteria provided, single submitter. Criteria: Ambry Variant Classification Scheme 2023. Collection method: clinical testing. Allele origin: germline. Not counted in ClinVar's aggregate classification.
Comment: The p.W1007* pathogenic mutation (also known as c.3020G>A), located in coding exon 4 of the MSH6 gene, results from a G to A substitution at nucleotide position 3020. This changes the amino acid from a tryptophan to a stop codon within coding exon 4. This variant is considered to be rare based on population cohorts in the Genome Aggregation Database (gnomAD). This alteration is expected to result in loss of function by premature protein truncation or nonsense-mediated mRNA decay. As such, this alteration is interpreted as a disease-causing mutation.

Clinical Genetics Laboratory, Skane University Hospital Lund
Classification: Pathogenic. Last evaluated: 2022-05-27. Review status: criteria provided, single submitter. Criteria: ACMG Guidelines, 2015. Collection method: clinical testing. Allele origin: germline. Affected: yes. Not counted in ClinVar's aggregate classification.

OMIM
Classification: Pathogenic for MISMATCH REPAIR CANCER SYNDROME 3. Last evaluated: 2005-12-01. Review status: no assertion criteria provided. Collection method: literature only. Allele origin: germline. Not counted in ClinVar's aggregate classification.

OMIM
Classification: Pathogenic for LYNCH SYNDROME 5. Last evaluated: 2005-12-01. Review status: no assertion criteria provided. Collection method: literature only. Allele origin: germline. Not counted in ClinVar's aggregate classification.

Literature cited by the submitters: PubMed 16283678 (cited by Ambry Genetics and OMIM); PubMed 18566915 (cited by Ambry Genetics); PubMed 18709565 (cited by Ambry Genetics); PubMed 21674763 (cited by Ambry Genetics).

NM_000179.3(MSH6):c.3020G>A (p.Trp1007Ter)

Gene: MSH6 (mutS homolog 6; plus strand). Cytogenetic location: 2p16.3.
Variant type: single nucleotide variant.
Coding change: c.3020G>A on transcript NM_000179.3 (MANE Select); coding-DNA position 3020, G replaced by A.
Protein change: p.Trp1007Ter; replaces tryptophan 1007 with a stop codon.
Molecular consequence: nonsense.
Genome position (GRCh38, 1-based): chr2:47,801,003, G>A. VCF-style: chr2-47801003-G-A. GRCh37 (hg19) VCF-style: chr2-48028142-G-A.
Other names: W1024*; c.2630G>A, p.Trp877Ter (NM_001281492.2); c.2114G>A, p.Trp705Ter (NM_001281493.2, NM_001281494.2); short protein forms W1007*, W705*, W877*.
Identifiers: ClinVar variation 89331 (VCV000089331.8), dbSNP rs587779252, ClinGen allele CA011367.